The following is an entry in ClinVar:

NM_000043.6(FAS):c.391C>A (p.Pro131Thr)

Gene: FAS (Fas cell surface death receptor; plus strand). Cytogenetic location: 10q23.31.
Variant type: single nucleotide variant.
Coding change: c.391C>A on transcript NM_000043.6 (MANE Select); coding-DNA position 391, C replaced by A.
Protein change: p.Pro131Thr; replaces proline 131 with threonine.
Molecular consequence: missense variant. On other transcripts: non-coding transcript variant (1).
Genome position (GRCh38, 1-based): chr10:89,008,945, C>A. VCF-style: chr10-89008945-C-A. GRCh37 (hg19) VCF-style: chr10-90768702-C-A.
Other names: c.391C>A, p.Pro131Thr (NM_001320619.2, NM_152871.4, NM_152872.4); c.436C>A, p.Pro146Thr (NM_001410956.1); short protein forms P131T, P146T.
Identifiers: ClinVar variation 1951734 (VCV001951734.5), dbSNP rs147866832, ClinGen allele CA211329820.
Genomic context (GRCh38, chr10:89,008,945, plus strand): 5'-CTAGGCTTAGAAGTGGAAATAAACTGCACCCGGACCCAGAATACCAAGTGCAGATGTAAA[C>A]CAAACTTTTTTTGTAACTCTACTGTATGTGAACACTGTGACCCTTGCACCAAGTAAGTTT-3'
Protein context (NP_000034.1, residues 121-141): RTQNTKCRCK[Pro131Thr]NFFCNSTVCE

ClinVar aggregate classification (germline): Uncertain significance (1 of 4 stars; one submission).

Conditions:
Autoimmune lymphoproliferative syndrome type 1. Also called: AUTOIMMUNE LYMPHOPROLIFERATIVE SYNDROME, TYPE I, AUTOSOMAL DOMINANT. Identifiers: Orphanet 3261, MedGen C2717884, MONDO:0011158, OMIM 601859.

Allele frequency attached by ClinVar (database versions not stated): ESP Exome Variant Server 0.00008; gnomAD 0.00001.
gnomAD v4.1: 9 of 1,613,876 alleles (0.00056%); highest among the groups gnomAD compares: African/African-American, 0.008%; no homozygotes.

Submission:

Labcorp Genetics (formerly Invitae), Labcorp
Classification: Uncertain significance for Autoimmune lymphoproliferative syndrome. Last evaluated: 2022-03-17. Review status: criteria provided, single submitter. Criteria: Invitae Variant Classification Sherloc (09022015). Collection method: clinical testing. Allele origin: germline.
Comment: This variant has not been reported in the literature in individuals affected with FAS-related conditions. In summary, the available evidence is currently insufficient to determine the role of this variant in disease. Therefore, it has been classified as a Variant of Uncertain Significance. Algorithms developed to predict the effect of missense changes on protein structure and function are either unavailable or do not agree on the potential impact of this missense change (SIFT: "Not Available"; PolyPhen-2: "Possibly Damaging"; Align-GVGD: "Not Available"). This variant is present in population databases (rs147866832, gnomAD 0.01%). This sequence change replaces proline, which is neutral and non-polar, with threonine, which is neutral and polar, at codon 131 of the FAS protein (p.Pro131Thr).